The following is an entry in ClinVar:

NM_007194.4(CHEK2):c.424A>T (p.Lys142Ter)

Gene: CHEK2 (checkpoint kinase 2; minus strand). Cytogenetic location: 22q12.1.
Variant type: single nucleotide variant.
Coding change: c.424A>T on transcript NM_007194.4 (MANE Select); coding-DNA position 424, A replaced by T.
Protein change: p.Lys142Ter; replaces lysine 142 with a stop codon.
Molecular consequence: nonsense.
Genome position (GRCh38, 1-based): chr22:28,725,263, T>A on the plus strand (A>T on the coding strand, the complement: CHEK2 is on the minus strand). VCF-style: chr22-28725263-T-A. GRCh37 (hg19) VCF-style: chr22-29121251-T-A.
Other names: c.553A>T, p.Lys185Ter (NM_001005735.3); c.-354A>T (NM_001257387.3); c.424A>T, p.Lys142Ter (NM_001349956.3, NM_145862.3); short protein forms K142*, K185*.
Identifiers: ClinVar variation 2637699 (VCV002637699.1), dbSNP rs2146067261, ClinGen allele CA411107932.

ClinVar aggregate classification (germline): Pathogenic (1 of 4 stars; one submission).

Conditions:
Hereditary breast ovarian cancer syndrome. Also called: Hereditary breast and ovarian cancer; Hereditary breast and ovarian cancer syndrome; Hereditary breast and ovarian cancer syndrome (HBOC); Breast and ovarian cancer; Hereditary breast and/or ovarian cancer syndrome; BRCA1- and BRCA2-Associated Hereditary Breast and Ovarian Cancer. Identifiers: Orphanet 145, MedGen C0677776, MeSH D061325, MONDO:0003582. Disease mechanism: loss of function.

Submission:

Women's Health and Genetics/Laboratory Corporation of America, LabCorp
Classification: Pathogenic for Hereditary breast ovarian cancer syndrome. Last evaluated: 2023-10-12. Review status: criteria provided, single submitter. Criteria: LabCorp Variant Classification Summary - May 2015. Collection method: clinical testing. Allele origin: germline.
Comment: Variant summary: CHEK2 c.424A>T (p.Lys142X) results in a premature termination codon, predicted to cause a truncation of the encoded protein or absence of the protein due to nonsense mediated decay, which are commonly known mechanisms for disease. Variants downstream of this position have been classified as pathogenic by our laboratory. The variant was absent in 251288 control chromosomes (gnomAD). To our knowledge, no occurrence of c.424A>T in individuals affected with Hereditary Breast And Ovarian Cancer Syndrome and no experimental evidence demonstrating its impact on protein function have been reported. No submitters have cited clinical-significance assessments for this variant to ClinVar after 2014. Based on the evidence outlined above, the variant was classified as pathogenic.